The following is an entry in ClinVar:

NM_025074.7(FRAS1):c.*2672A>G

Gene: FRAS1 (Fraser extracellular matrix complex subunit 1; plus strand). Cytogenetic location: 4q21.21.
Variant type: single nucleotide variant.
Coding change: c.*2672A>G on transcript NM_025074.7 (MANE Select); 2672 bases downstream of the stop codon, A replaced by G.
Molecular consequence: 3 prime UTR variant.
Genome position (GRCh38, 1-based): chr4:78,543,796, A>G. VCF-style: chr4-78543796-A-G. GRCh37 (hg19) VCF-style: chr4-79464950-A-G.
Other names: NC_000004.11:g.79464950A>G.
Identifiers: ClinVar variation 349863 (VCV000349863.6), dbSNP rs144020017, ClinGen allele CA10621799.
Genomic context (GRCh38, chr4:78,543,796, plus strand): 5'-TAGGAATCAAGTAATTTGATGACTAATGTGGATTATATTTCAGTCAAAGCTCTGCTTTCA[A>G]TTTCTCTGATTTGCTCACTAATGCCTTGTGTGTGTTTTACTAACCTTTTATATCTTGCCT-3'

ClinVar aggregate classification (germline): Likely benign (1 of 4 stars; one submission).

Conditions:
Fraser syndrome 1 (FRASRS1). Also called: CRYPTOPHTHALMOS WITH OTHER MALFORMATIONS. Identifiers: Orphanet 2052, MedGen C4551480, MONDO:0054737, OMIM 219000.

Allele frequency attached by ClinVar (database versions not stated): 1000 Genomes Project 30x 0.00484; 1000 Genomes Project 0.00559; TOPMed 0.00846; gnomAD 0.00995 and 0.01027.

Submissions (2):

Illumina Laboratory Services, Illumina
Classification: Likely benign for Fraser syndrome 1. Last evaluated: 2018-01-12. Review status: criteria provided, single submitter. Criteria: ICSL Variant Classification Criteria 13 December 2019. Collection method: clinical testing. Allele origin: germline.
Comment: This variant was observed in the ICSL laboratory as part of a predisposition screen in an ostensibly healthy population. It had not been previously curated by ICSL or reported in the Human Gene Mutation Database (HGMD: prior to June 1st, 2018), and was therefore a candidate for classification through an automated scoring system. Utilizing variant allele frequency, disease prevalence and penetrance estimates, and inheritance mode, an automated score was calculated to assess if this variant is too frequent to cause the disease. Based on the score and internal cut-off values, a variant classified as likely benign is not then subjected to further curation. The score for this variant resulted in a classification of likely benign for this disease.

Dr. Peter K. Rogan Lab, Western University
No classification provided (evidence only). Condition: Ovarian serous cystadenocarcinoma. Review status: no classification provided. Collection method: in vitro. Allele origin: not applicable. Functional consequence: retained intron. Not counted in ClinVar's aggregate classification.